The following is an entry in ClinVar:

ClinVar aggregate classification (germline): Benign/Likely benign. Review status: criteria provided, multiple submitters, no conflicts (2 of 4 stars). 2 submissions from 2 submitters: Benign (1); Likely benign (1). Last evaluated 2018-06-28.

Conditions:
Neuronopathy, distal hereditary motor, autosomal recessive 4. Also called: Autosomal recessive lower motor neuron disease with childhood onset; NEUROPATHY, DISTAL HEREDITARY MOTOR, AUTOSOMAL RECESSIVE 4. Identifiers: Orphanet 206580, MedGen C1970211, MONDO:0012608, OMIM 611067.

Allele frequency attached by ClinVar (database versions not stated): gnomAD exomes 0.00074; 1000 Genomes Project 30x 0.00484; 1000 Genomes Project 0.00519; gnomAD 0.00723 and 0.00786; TOPMed 0.00822.
gnomAD v4.1: 1,826 of 1,107,080 alleles (0.16%); highest among the groups gnomAD compares: African/African-American, 2.5%; 14 homozygotes.

Submissions (2):

GeneDx
Classification: Likely benign. Last evaluated: 2018-06-28. Review status: criteria provided, single submitter. Criteria: GeneDx Variant Classification Process June 2021. Collection method: clinical testing. Allele origin: germline. Affected: yes.

Illumina Laboratory Services, Illumina
Classification: Benign for Neuronopathy, distal hereditary motor, autosomal recessive 4. Last evaluated: 2018-01-13. Review status: criteria provided, single submitter. Criteria: ICSL Variant Classification Criteria 13 December 2019. Collection method: clinical testing. Allele origin: germline.
Comment: This variant was observed in the ICSL laboratory as part of a predisposition screen in an ostensibly healthy population. It had not been previously curated by ICSL or reported in the Human Gene Mutation Database (HGMD: prior to June 1st, 2018), and was therefore a candidate for classification through an automated scoring system. Utilizing variant allele frequency, disease prevalence and penetrance estimates, and inheritance mode, an automated score was calculated to assess if this variant is too frequent to cause the disease. Based on the score and internal cut-off values, a variant classified as benign is not then subjected to further curation. The score for this variant resulted in a classification of benign for this disease.

NM_020631.6(PLEKHG5):c.*108G>A

Gene: PLEKHG5 (pleckstrin homology and RhoGEF domain containing G5; minus strand). Cytogenetic location: 1p36.31.
Variant type: single nucleotide variant.
Coding change: c.*108G>A on transcript NM_020631.6 (MANE Select); 108 bases downstream of the stop codon, G replaced by A.
Molecular consequence: 3 prime UTR variant.
Genome position (GRCh38, 1-based): chr1:6,467,455, C>T on the plus strand (G>A on the coding strand, the complement: PLEKHG5 is on the minus strand). VCF-style: chr1-6467455-C-T. GRCh37 (hg19) VCF-style: chr1-6527515-C-T.
Other names: c.*108G>A (NM_001042663.3, NM_001042664.2, NM_001042665.2 and 3 more transcripts); c.*136G>A (NM_001265594.3).
Identifiers: ClinVar variation 297930 (VCV000297930.7), dbSNP rs11800788, ClinGen allele CA10610262.